The following is an entry in ClinVar:

ClinVar aggregate classification (germline): Uncertain significance (1 of 4 stars; one submission).

Conditions:
Brain small vessel disease 1 with or without ocular anomalies (BSVD1). Also called: Brain small vessel disease with or without ocular anomalies; BRAIN SMALL VESSEL DISEASE WITH HEMORRHAGE; GOULD SYNDROME 1; PORENCEPHALY, TYPE 1, AUTOSOMAL DOMINANT. Identifiers: Orphanet 2940, Orphanet 36383, Orphanet 99810, MedGen C4755307, MONDO:0008289, OMIM 175780.

Submission:

Institute of Human Genetics, University of Leipzig Medical Center
Classification: Uncertain significance for Brain small vessel disease 1 with or without ocular anomalies. Last evaluated: 2023-02-13. Review status: criteria provided, single submitter. Criteria: ACMG Guidelines, 2015. Collection method: clinical testing. Allele origin: de novo. Affected: yes.
Comment: This variant was identified as de novo (maternity and paternity confirmed)._x000D_ Criteria applied: PS2_SUP, PM2_SUP

NM_001845.6(COL4A1):c.3556+4A>G

Gene: COL4A1 (collagen type IV alpha 1 chain; minus strand). Cytogenetic location: 13q34.
Variant type: single nucleotide variant.
Coding change: c.3556+4A>G on transcript NM_001845.6 (MANE Select); 4 bases into the intron after coding-DNA position 3556, A replaced by G.
Molecular consequence: intron variant.
Genome position (GRCh38, 1-based): chr13:110,172,716, T>C on the plus strand (A>G on the coding strand, the complement: COL4A1 is on the minus strand). VCF-style: chr13-110172716-T-C. GRCh37 (hg19) VCF-style: chr13-110825063-T-C.
Identifiers: ClinVar variation 2500294 (VCV002500294.1), dbSNP rs2501765769, ClinGen allele CA2580087127.